The following is an entry in ClinVar:

ClinVar aggregate classification (germline): Uncertain significance (1 of 4 stars; one submission).

Submission:

GeneDx
Classification: Uncertain significance. Last evaluated: 2023-11-07. Review status: criteria provided, single submitter. Criteria: GeneDx Variant Classification Process June 2021. Collection method: clinical testing. Allele origin: germline. Affected: yes.
Comment: Not observed at significant frequency in large population cohorts (gnomAD); In silico analysis supports that this missense variant does not alter protein structure/function; Has not been previously published as pathogenic or benign to our knowledge

NM_001330574.2(ZNF711):c.202G>A (p.Ala68Thr)

Gene: ZNF711 (zinc finger protein 711; plus strand). Cytogenetic location: Xq21.1.
Variant type: single nucleotide variant.
Coding change: c.202G>A on transcript NM_001330574.2 (MANE Select); coding-DNA position 202, G replaced by A.
Protein change: p.Ala68Thr; replaces alanine 68 with threonine.
Molecular consequence: missense variant.
Genome position (GRCh38, 1-based): chrX:85,255,381, G>A. VCF-style: chrX-85255381-G-A. GRCh37 (hg19) VCF-style: chrX-84510387-G-A.
Other names: c.202G>A, p.Ala68Thr (NM_001375431.1, NM_001375432.1, NM_001375433.1 and 5 more transcripts); short protein forms A68T.
Identifiers: ClinVar variation 3363881 (VCV003363881.1).